The following is an entry in ClinVar:

NM_000709.4(BCKDHA):c.59C>T (p.Ala20Val)

Gene: BCKDHA (branched chain keto acid dehydrogenase E1 subunit alpha; plus strand). Cytogenetic location: 19q13.2.
Variant type: single nucleotide variant.
Coding change: c.59C>T on transcript NM_000709.4 (MANE Select); coding-DNA position 59, C replaced by T.
Protein change: p.Ala20Val; replaces alanine 20 with valine.
Molecular consequence: missense variant.
Genome position (GRCh38, 1-based): chr19:41,397,886, C>T. VCF-style: chr19-41397886-C-T. GRCh37 (hg19) VCF-style: chr19-41903791-C-T.
Other names: c.59C>T, p.Ala20Val (NM_001164783.2); short protein forms A20V.
Identifiers: ClinVar variation 1445552 (VCV001445552.3), dbSNP rs1159645644, ClinGen allele CA406023203.

ClinVar aggregate classification (germline): Uncertain significance (1 of 4 stars; one submission).

Conditions:
Maple syrup urine disease (MSUD). Identifiers: Orphanet 511, MedGen C0024776, MeSH D008375, MONDO:0009563. Disease mechanism: loss of function.

Allele frequency attached by ClinVar (database versions not stated): gnomAD exomes below 0.00001; gnomAD 0.00001.
gnomAD v4.1: 3 of 1,614,034 alleles (0.00019%); highest among the groups gnomAD compares: Non-Finnish European, 0.00017%; no homozygotes.

Submission:

Labcorp Genetics (formerly Invitae), Labcorp
Classification: Uncertain significance for Maple syrup urine disease. Last evaluated: 2022-06-05. Review status: criteria provided, single submitter. Criteria: Invitae Variant Classification Sherloc (09022015). Collection method: clinical testing. Allele origin: germline.
Comment: This sequence change replaces alanine, which is neutral and non-polar, with valine, which is neutral and non-polar, at codon 20 of the BCKDHA protein (p.Ala20Val). This variant is present in population databases (no rsID available, gnomAD 0.007%). This variant has not been reported in the literature in individuals affected with BCKDHA-related conditions. ClinVar contains an entry for this variant (Variation ID: 1445552). Advanced modeling of protein sequence and biophysical properties (such as structural, functional, and spatial information, amino acid conservation, physicochemical variation, residue mobility, and thermodynamic stability) performed at Invitae indicates that this missense variant is not expected to disrupt BCKDHA protein function. In summary, the available evidence is currently insufficient to determine the role of this variant in disease. Therefore, it has been classified as a Variant of Uncertain Significance.